The following is an entry in ClinVar:

NM_203446.3(SYNJ1):c.2885G>A (p.Arg962Gln)

Gene: SYNJ1 (synaptojanin 1; minus strand). Cytogenetic location: 21q22.11.
Variant type: single nucleotide variant.
Coding change: c.2885G>A on transcript NM_203446.3 (MANE Select); coding-DNA position 2885, G replaced by A.
Protein change: p.Arg962Gln; replaces arginine 962 with glutamine.
Molecular consequence: missense variant.
Genome position (GRCh38, 1-based): chr21:32,650,336, C>T on the plus strand (G>A on the coding strand, the complement: SYNJ1 is on the minus strand). VCF-style: chr21-32650336-C-T. GRCh37 (hg19) VCF-style: chr21-34022646-C-T.
Other names: c.2885G>A, p.Arg962Gln (NM_001160302.2); c.2870G>A, p.Arg957Gln (NM_001160306.2); c.3002G>A, p.Arg1001Gln (NM_003895.4); short protein forms R1001Q, R957Q, R962Q.
Identifiers: ClinVar variation 844027 (VCV000844027.11), dbSNP rs371117480, ClinGen allele CA10003544.

ClinVar aggregate classification (germline): Uncertain significance. Review status: criteria provided, multiple submitters, no conflicts (2 of 4 stars). 3 submissions from 3 submitters: Uncertain significance (3). Last evaluated 2025-12-03.

Conditions:
Inborn genetic diseases. Identifiers: MedGen C0950123, MeSH D030342.
Early-onset Parkinson disease 20. Also called: PARKINSON DISEASE 20, AUTOSOMAL RECESSIVE EARLY-ONSET. Identifiers: Orphanet 391411, MedGen C3809824, MONDO:0014233, OMIM 615530.
Developmental and epileptic encephalopathy, 53. Also called: Epileptic encephalopathy, early infantile, 53. Identifiers: MedGen C4479313, MONDO:0033362, OMIM 617389.

Allele frequency attached by ClinVar (database versions not stated): TOPMed 0.00002; gnomAD exomes 0.00004 and 0.00005; gnomAD 0.00006; ExAC 0.00007; ESP Exome Variant Server 0.00008.
gnomAD v4.1: 66 of 1,604,342 alleles (0.0041%); highest among the groups gnomAD compares: Non-Finnish European, 0.0044%; no homozygotes.

Submissions (3):

Ambry Genetics
Classification: Uncertain significance for Inborn genetic diseases. Last evaluated: 2025-12-03. Review status: criteria provided, single submitter. Criteria: Ambry Variant Classification Scheme 2023. Collection method: clinical testing. Allele origin: germline.

Labcorp Genetics (formerly Invitae), Labcorp
Classification: Uncertain significance for Developmental and epileptic encephalopathy, 53; Early-onset Parkinson disease 20. Last evaluated: 2025-11-05. Review status: criteria provided, single submitter. Criteria: Invitae Variant Classification Sherloc (09022015). Collection method: clinical testing. Allele origin: germline.
Comment: This sequence change replaces arginine, which is basic and polar, with glutamine, which is neutral and polar, at codon 1001 of the SYNJ1 protein (p.Arg1001Gln). This variant is present in population databases (rs371117480, gnomAD 0.009%). This variant has not been reported in the literature in individuals affected with SYNJ1-related conditions. ClinVar contains an entry for this variant (Variation ID: 844027). Invitae Evidence Modeling of protein sequence and biophysical properties (such as structural, functional, and spatial information, amino acid conservation, physicochemical variation, residue mobility, and thermodynamic stability) indicates that this missense variant is not expected to disrupt SYNJ1 protein function with a negative predictive value of 80%. In summary, the available evidence is currently insufficient to determine the role of this variant in disease. Therefore, it has been classified as a Variant of Uncertain Significance.

Blueprint Genetics
Classification: Uncertain significance. Last evaluated: 2024-10-07. Review status: criteria provided, single submitter. Criteria: ACMG Guidelines, 2015. Collection method: clinical testing. Allele origin: germline.